The following is an entry in ClinVar:

ClinVar aggregate classification (germline): Uncertain significance (1 of 4 stars; one submission).

gnomAD v4.1: 1 of 1,545,432 alleles (0.000065%); highest among the groups gnomAD compares: Non-Finnish European, 0.000087%; no homozygotes.

Submission:

Labcorp Genetics (formerly Invitae), Labcorp
Classification: Uncertain significance. Last evaluated: 2022-03-14. Review status: criteria provided, single submitter. Criteria: Invitae Variant Classification Sherloc (09022015). Collection method: clinical testing. Allele origin: germline.
Comment: In summary, the available evidence is currently insufficient to determine the role of this variant in disease. Therefore, it has been classified as a Variant of Uncertain Significance. Algorithms developed to predict the effect of missense changes on protein structure and function output the following: SIFT: "Deleterious"; PolyPhen-2: "Benign"; Align-GVGD: "Class C0". The serine amino acid residue is found in multiple mammalian species, which suggests that this missense change does not adversely affect protein function. This variant has not been reported in the literature in individuals affected with ZNF469-related conditions. This variant is not present in population databases (gnomAD no frequency). This sequence change replaces proline, which is neutral and non-polar, with serine, which is neutral and polar, at codon 432 of the ZNF469 protein (p.Pro432Ser).

NM_001367624.2(ZNF469):c.1294C>T (p.Pro432Ser)

Gene: ZNF469 (zinc finger protein 469; plus strand). Cytogenetic location: 16q24.2.
Variant type: single nucleotide variant.
Coding change: c.1294C>T on transcript NM_001367624.2 (MANE Select); coding-DNA position 1294, C replaced by T.
Protein change: p.Pro432Ser; replaces proline 432 with serine.
Molecular consequence: missense variant.
Genome position (GRCh38, 1-based): chr16:88,428,764, C>T. VCF-style: chr16-88428764-C-T. GRCh37 (hg19) VCF-style: chr16-88495172-C-T.
Other names: short protein forms P432S.
Identifiers: ClinVar variation 2088085 (VCV002088085.2), dbSNP rs2507574435, ClinGen allele CA397064259.